The following is an entry in ClinVar:

NM_001011.4(RPS7):c.317G>A (p.Arg106Gln)

Gene: RPS7 (ribosomal protein S7; plus strand). Cytogenetic location: 2p25.3.
Variant type: single nucleotide variant.
Coding change: c.317G>A on transcript NM_001011.4 (MANE Select); coding-DNA position 317, G replaced by A.
Protein change: p.Arg106Gln; replaces arginine 106 with glutamine.
Molecular consequence: missense variant.
Genome position (GRCh38, 1-based): chr2:3,577,735, G>A. VCF-style: chr2-3577735-G-A. GRCh37 (hg19) VCF-style: chr2-3625325-G-A.
Other names: short protein forms R106Q.
Identifiers: ClinVar variation 3610881 (VCV003610881.2).
Genomic context (GRCh38, chr2:3,577,735, plus strand): 5'-TTTCATTTTGTTACATGATAATTTTTACCTTACAGAGGAGAATTCTGCCTAAGCCAACTC[G>A]AAAAAGCCGTACAAAAAATAAGCAAAAGCGTCCCAGGAGGTGAGTATTTTAGTAGTTTCA-3'
Protein context (NP_001002.1, residues 96-116): AQRRILPKPT[Arg106Gln]KSRTKNKQKR

ClinVar aggregate classification (germline): Uncertain significance (1 of 4 stars; one submission).

Conditions:
Diamond-Blackfan anemia 8 (DBA8). Also called: RPS7-Related Diamond-Blackfan Anemia. Identifiers: Orphanet 124, MedGen C2675511, MONDO:0012939, OMIM 612563.

Submission:

Labcorp Genetics (formerly Invitae), Labcorp
Classification: Uncertain significance for Diamond-Blackfan anemia 8. Last evaluated: 2024-07-23. Review status: criteria provided, single submitter. Criteria: Invitae Variant Classification Sherloc (09022015). Collection method: clinical testing. Allele origin: germline.
Comment: This sequence change replaces arginine, which is basic and polar, with glutamine, which is neutral and polar, at codon 106 of the RPS7 protein (p.Arg106Gln). This variant is present in population databases (rs61730447, gnomAD 0.007%). This variant has not been reported in the literature in individuals affected with RPS7-related conditions. An algorithm developed to predict the effect of missense changes on protein structure and function (PolyPhen-2) suggests that this variant is likely to be tolerated. In summary, the available evidence is currently insufficient to determine the role of this variant in disease. Therefore, it has been classified as a Variant of Uncertain Significance.